The following is an entry in ClinVar:

NM_000901.5(NR3C2):c.2933C>T (p.Pro978Leu)

Gene: NR3C2 (nuclear receptor subfamily 3 group C member 2; minus strand). Cytogenetic location: 4q31.23.
Variant type: single nucleotide variant.
Coding change: c.2933C>T on transcript NM_000901.5 (MANE Select); coding-DNA position 2933, C replaced by T.
Protein change: p.Pro978Leu; replaces proline 978 with leucine.
Molecular consequence: missense variant. On other transcripts: non-coding transcript variant (1).
Genome position (GRCh38, 1-based): chr4:148,081,366, G>A on the plus strand (C>T on the coding strand, the complement: NR3C2 is on the minus strand). VCF-style: chr4-148081366-G-A. GRCh37 (hg19) VCF-style: chr4-149002517-G-A.
Other names: c.2582C>T, p.Pro861Leu (NM_001166104.2, NM_001354819.1); short protein forms P978L, P861L.
Identifiers: ClinVar variation 2903639 (VCV002903639.4), dbSNP rs1313773823, ClinGen allele CA358425209.

ClinVar aggregate classification (germline): Uncertain significance. Review status: criteria provided, multiple submitters, no conflicts (2 of 4 stars). 2 submissions from 2 submitters: Uncertain significance (2). Last evaluated 2025-09-24.

Conditions:
Autosomal dominant pseudohypoaldosteronism type 1. Also called: Pseudohypoaldosteronism, Type I, Autosomal Dominant; PHA I, AUTOSOMAL DOMINANT; Pseudohypoaldosteronism, Type I, Dominant. Identifiers: Orphanet 171871, Orphanet 756, MedGen C1449842, MONDO:0008329, OMIM 177735.

Allele frequency attached by ClinVar (database versions not stated): gnomAD exomes below 0.00001; TOPMed 0.00002.
gnomAD v4.1: 1 of 1,614,156 alleles (0.000062%); highest among the groups gnomAD compares: Non-Finnish European, 0.000085%; no homozygotes.

Submissions (2):

Genesolutions, Medical Genetics Institutes, Ho Chi Minh City, Vietnam
Classification: Uncertain significance for Autosomal dominant pseudohypoaldosteronism type 1. Last evaluated: 2025-09-24. Review status: criteria provided, single submitter. Criteria: ACMG Guidelines, 2015. Collection method: clinical testing. Allele origin: germline. Affected: yes.

Labcorp Genetics (formerly Invitae), Labcorp
Classification: Uncertain significance. Last evaluated: 2023-08-04. Review status: criteria provided, single submitter. Criteria: Invitae Variant Classification Sherloc (09022015). Collection method: clinical testing. Allele origin: germline.
Comment: In summary, the available evidence is currently insufficient to determine the role of this variant in disease. Therefore, it has been classified as a Variant of Uncertain Significance. An algorithm developed to predict the effect of missense changes on protein structure and function (PolyPhen-2) suggests that this variant is likely to be disruptive. This variant has not been reported in the literature in individuals affected with NR3C2-related conditions. This variant is not present in population databases (gnomAD no frequency). This sequence change replaces proline, which is neutral and non-polar, with leucine, which is neutral and non-polar, at codon 978 of the NR3C2 protein (p.Pro978Leu).